The following is an entry in ClinVar:

NM_015047.3(EMC1):c.2207T>G (p.Leu736Arg)

Genes: EMC1 (ER membrane protein complex subunit 1; minus strand), EMC1-AS1 (EMC1 antisense RNA 1; plus strand). Cytogenetic location: 1p36.13.
Variant type: single nucleotide variant.
Coding change: c.2207T>G on transcript NM_015047.3 (MANE Select); coding-DNA position 2207, T replaced by G.
Protein change: p.Leu736Arg; replaces leucine 736 with arginine.
Molecular consequence: missense variant.
Genome position (GRCh38, 1-based): chr1:19,223,565, A>C on the plus strand (T>G on the coding strand, the complement: EMC1 is on the minus strand). VCF-style: chr1-19223565-A-C. GRCh37 (hg19) VCF-style: chr1-19550059-A-C.
Other names: c.2204T>G, p.Leu735Arg (NM_001271427.2, NM_001271428.2); c.2141T>G, p.Leu714Arg (NM_001271429.2); c.2216T>G, p.Leu739Arg (NM_001375820.1); c.2213T>G, p.Leu738Arg (NM_001375821.1); short protein forms L736R, L738R, L714R, L735R, L739R.
Identifiers: ClinVar variation 1523628 (VCV001523628.8), dbSNP rs2151939248, ClinGen allele CA338755252.

ClinVar aggregate classification (germline): Uncertain significance (1 of 4 stars; one submission).

gnomAD v4.1: 1 of 1,613,772 alleles (0.000062%); highest among the groups gnomAD compares: Non-Finnish European, 0.000085%; no homozygotes.

Submission:

Labcorp Genetics (formerly Invitae), Labcorp
Classification: Uncertain significance. Last evaluated: 2021-06-04. Review status: criteria provided, single submitter. Criteria: Invitae Variant Classification Sherloc (09022015). Collection method: clinical testing. Allele origin: germline.
Comment: In summary, the available evidence is currently insufficient to determine the role of this variant in disease. Therefore, it has been classified as a Variant of Uncertain Significance. Algorithms developed to predict the effect of missense changes on protein structure and function (SIFT, PolyPhen-2, Align-GVGD) all suggest that this variant is likely to be disruptive, but these predictions have not been confirmed by published functional studies and their clinical significance is uncertain. This variant has not been reported in the literature in individuals with EMC1-related conditions. This variant is not present in population databases (ExAC no frequency). This sequence change replaces leucine with arginine at codon 736 of the EMC1 protein (p.Leu736Arg). The leucine residue is highly conserved and there is a moderate physicochemical difference between leucine and arginine.